The following is an entry in ClinVar:

ClinVar aggregate classification (germline): Pathogenic (1 of 4 stars; one submission).

Conditions:
Fanconi anemia (FA). Also called: Fanconi's anemia. Identifiers: Orphanet 84, MedGen C0015625, MeSH D005199, MONDO:0019391.

Submission:

Labcorp Genetics (formerly Invitae), Labcorp
Classification: Pathogenic for Fanconi anemia. Last evaluated: 2022-08-08. Review status: criteria provided, single submitter. Criteria: Invitae Variant Classification Sherloc (09022015). Collection method: clinical testing. Allele origin: germline.
Comment: For these reasons, this variant has been classified as Pathogenic. This variant has not been reported in the literature in individuals affected with SLX4-related conditions. This variant is not present in population databases (gnomAD no frequency). This sequence change creates a premature translational stop signal (p.Leu103Phefs*23) in the SLX4 gene. It is expected to result in an absent or disrupted protein product. Loss-of-function variants in SLX4 are known to be pathogenic (PMID: 21240277).

Literature cited by the submitters: PubMed 21240277.

NM_032444.4(SLX4):c.307del (p.Leu103fs)

Gene: SLX4 (SLX4 structure-specific endonuclease subunit; minus strand). Cytogenetic location: 16p13.3.
Variant type: Deletion.
Coding change: c.307del on transcript NM_032444.4 (MANE Select); coding-DNA position 307, one base deleted (C; older notation c.307delC).
Protein change: p.Leu103fs; shifts the reading frame from leucine 103.
Molecular consequence: frameshift variant.
Genome position (GRCh38, 1-based): chr16:3,608,658, G deleted on the plus strand (C on the coding strand, the reverse complement: SLX4 is on the minus strand); the first of 3 consecutive G bases (chr16:3,608,658-3,608,660); deleting any one gives the same sequence. VCF-style (leftmost placement, unchanged base first): chr16-3608657-AG-A. GRCh37 (hg19) VCF-style: chr16-3658658-AG-A.
Other names: short protein forms L103fs.
Identifiers: ClinVar variation 2022690 (VCV002022690.4), dbSNP rs2548225671, ClinGen allele CA2580091113.